The following is an entry in ClinVar:

NM_000089.4(COL1A2):c.821G>T (p.Gly274Val)

Genes: COL1A2 (collagen type I alpha 2 chain; plus strand), COL1A2-AS1 (COL1A2 antisense RNA 1; minus strand). Cytogenetic location: 7q21.3.
Variant type: single nucleotide variant.
Coding change: c.821G>T on transcript NM_000089.4 (MANE Select); coding-DNA position 821, G replaced by T.
Protein change: p.Gly274Val; replaces glycine 274 with valine.
Molecular consequence: missense variant.
Genome position (GRCh38, 1-based): chr7:94,409,350, G>T. VCF-style: chr7-94409350-G-T. GRCh37 (hg19) VCF-style: chr7-94038662-G-T.
Other names: short protein forms G274V.
Identifiers: ClinVar variation 2571594 (VCV002571594.3), dbSNP rs67675951, ClinGen allele CA162919540.

ClinVar aggregate classification (germline): Pathogenic. Review status: criteria provided, multiple submitters, no conflicts (2 of 4 stars). 2 submissions from 2 submitters: Pathogenic (2). Last evaluated 2025-09-29.

Conditions:
Osteogenesis imperfecta with normal sclerae, dominant form (OI4). Also called: OSTEOGENESIS IMPERFECTA, TYPE IV, WITH DENTINOGENESIS IMPERFECTA; OSTEOGENESIS IMPERFECTA WITH NORMAL SCLERAE; Osteogenesis imperfecta type 4; Common Variable Osteogenesis Imperfecta with Normal Sclerae; Osteogenesis Imperfecta Type IV. Identifiers: Orphanet 216820, Orphanet 666, MedGen C0268363, MONDO:0008148, OMIM 166220.
Ehlers-Danlos syndrome, classic type, 1 (EDSCL1). Also called: EHLERS-DANLOS SYNDROME, GRAVIS TYPE; EHLERS-DANLOS SYNDROME, SEVERE CLASSIC TYPE; Ehlers-Danlos syndrome, type 1; Ehlers-Danlos Syndrome, Classic Type, COL5A1-Related; EDS I. Identifiers: MedGen C0268335, MONDO:0019567, OMIM 130000.
Osteogenesis imperfecta type I (OI1). Also called: OI, TYPE I; OSTEOGENESIS IMPERFECTA TARDA; OSTEOGENESIS IMPERFECTA WITH BLUE SCLERAE; Osteogenesis imperfecta type 1; Classic Non-deforming Osteogenesis Imperfecta with Blue Sclerae; Lobstein's Disease. Identifiers: Orphanet 216796, Orphanet 666, MedGen C0023931, MONDO:0008146, OMIM 166200. Disease mechanism: loss of function.

Submissions (2):

Labcorp Genetics (formerly Invitae), Labcorp
Classification: Pathogenic for Osteogenesis imperfecta type I; Ehlers-Danlos syndrome, classic type, 1. Last evaluated: 2025-09-29. Review status: criteria provided, single submitter. Criteria: Invitae Variant Classification Sherloc (09022015). Collection method: clinical testing. Allele origin: germline.
Comment: This sequence change replaces glycine, which is neutral and non-polar, with valine, which is neutral and non-polar, at codon 274 of the COL1A2 protein (p.Gly274Val). This variant is not present in population databases (gnomAD no frequency). This missense change has been observed in individual(s) with osteogenesis imperfecta (PMID: 17078022). ClinVar contains an entry for this variant (Variation ID: 2571594). Invitae Evidence Modeling of protein sequence and biophysical properties (such as structural, functional, and spatial information, amino acid conservation, physicochemical variation, residue mobility, and thermodynamic stability) indicates that this missense variant is expected to disrupt COL1A2 protein function with a positive predictive value of 95%. This variant disrupts the triple helix domain of COL1A2. Glycine residues within the Gly-Xaa-Yaa repeats of the triple helix domain are required for the structure and stability of fibrillar collagens (PMID: 7695699, 8218237, 19344236). In COL1A2, variants affecting these glycine residues are significantly enriched in individuals with disease (PMID: 9016532, 17078022) compared to the general population (ExAC). This variant disrupts the p.Gly274 amino acid residue in COL1A2. Other variant(s) that disrupt this residue have been observed in individuals with COL1A2-related conditions (PMID: 11317364, 17078022, 30715774), which suggests that this may be a clinically significant amino acid residue. For these reasons, this variant has been classified as Pathogenic.

Institute of Medical Genetics and Genomics, Sir Ganga Ram Hospital
Classification: Pathogenic for Osteogenesis imperfecta with normal sclerae, dominant form. Last evaluated: 2023-07-10. Review status: criteria provided, single submitter. Criteria: ACMG Guidelines, 2015. Collection method: clinical testing. Allele origin: de novo. Inheritance: Autosomal dominant inheritance. Affected: yes. Observed: 1 heterozygote.
Comment: This variant has not been reported in gnomAD (aggregated) database (PM2_moderate). Computational tools predict a deleterious effect of the mis-sense variant (PP3_strong). Different amino acid change causing pathogenic variant (PM5_moderate). Mis-sense variant in a gene where 425 pathogenic mis-sense variants have been reported so far (PP2_supporting). The parents were negative for the variant.

Literature cited by the submitters: PubMed 17078022 (cited by Labcorp Genetics (formerly Invitae), Labcorp); PubMed 7695699 (cited by Labcorp Genetics (formerly Invitae), Labcorp); PubMed 8218237 (cited by Labcorp Genetics (formerly Invitae), Labcorp); PubMed 19344236 (cited by Labcorp Genetics (formerly Invitae), Labcorp); PubMed 9016532 (cited by Labcorp Genetics (formerly Invitae), Labcorp); PubMed 11317364 (cited by Labcorp Genetics (formerly Invitae), Labcorp); PubMed 30715774 (cited by Labcorp Genetics (formerly Invitae), Labcorp).